The following is an entry in ClinVar:

NM_006397.3(RNASEH2A):c.791G>A (p.Gly264Glu)

Gene: RNASEH2A (ribonuclease H2 subunit A; plus strand). Cytogenetic location: 19p13.13.
Variant type: single nucleotide variant.
Coding change: c.791G>A on transcript NM_006397.3 (MANE Select); coding-DNA position 791, G replaced by A.
Protein change: p.Gly264Glu; replaces glycine 264 with glutamic acid.
Molecular consequence: missense variant.
Genome position (GRCh38, 1-based): chr19:12,813,357, G>A. VCF-style: chr19-12813357-G-A. GRCh37 (hg19) VCF-style: chr19-12924171-G-A.
Other names: short protein forms G264E.
Identifiers: ClinVar variation 1948722 (VCV001948722.2), dbSNP rs2512480112, ClinGen allele CA404269685.

ClinVar aggregate classification (germline): Uncertain significance (1 of 4 stars; one submission).

Conditions:
Aicardi-Goutieres syndrome 4. Identifiers: Orphanet 51, MedGen C1835912, MONDO:0012472, OMIM 610333.

Allele frequency attached by ClinVar (database versions not stated): gnomAD exomes below 0.00001.
gnomAD v4.1: 1 of 1,614,122 alleles (0.000062%); highest among the groups gnomAD compares: Non-Finnish European, 0.000085%; no homozygotes.

Submission:

Labcorp Genetics (formerly Invitae), Labcorp
Classification: Uncertain significance for Aicardi-Goutieres syndrome 4. Last evaluated: 2022-07-30. Review status: criteria provided, single submitter. Criteria: Invitae Variant Classification Sherloc (09022015). Collection method: clinical testing. Allele origin: germline.
Comment: This sequence change replaces glycine, which is neutral and non-polar, with glutamic acid, which is acidic and polar, at codon 264 of the RNASEH2A protein (p.Gly264Glu). This variant is not present in population databases (gnomAD no frequency). This variant has not been reported in the literature in individuals affected with RNASEH2A-related conditions. Algorithms developed to predict the effect of missense changes on protein structure and function (SIFT, PolyPhen-2, Align-GVGD) all suggest that this variant is likely to be tolerated. In summary, the available evidence is currently insufficient to determine the role of this variant in disease. Therefore, it has been classified as a Variant of Uncertain Significance.